The following is an entry in ClinVar:

NM_000059.4(BRCA2):c.8235_8236insGGCCGGGCGCGGTGGCTCACGCCTGTAATCCCAGCACTTTGGGAGGCCGAGGCGGGCGGATCACGAGGTCANNNNNNNNNNAAAAAAAAAAAAAAAAAAAAAAAGAATGGCAGACTG (p.Leu2745_Thr2746insGlyArgAlaArgTrpLeuThrProValIleProAlaLeuTrpGluAlaGluAlaGlyGlySerArgGlyXaaXaaXaaXaaLysLysLysLysLysLysLysLysAsnGlyArgLeu)

Gene: BRCA2 (BRCA2 DNA repair associated; plus strand). Cytogenetic location: 13q13.1.
Variant type: Insertion.
Coding change: c.8235_8236insGGCCGGGCGCGGTGGCTCACGCCTGTAATCCCAGCACTTTGGGAGGCCGAGGCGGGCGGATCACGAGGTCANNNNNNNNNNAAAAAAAAAAAAAAAAAAAAAAAGAATGGCAGACTG on transcript NM_000059.4 (MANE Select); coding-DNA positions 8235 to 8236, GGCCGGGCGCGGTGGCTCACGCCTGTAATCCCAGCACTTTGGGAGGCCGAGGCGGGCGGATCACGAGGTCANNNNNNNNNNAAAAAAAAAAAAAAAAAAAAAAAGAATGGCAGACTG inserted.
Protein change: p.Leu2745_Thr2746insGlyArgAlaArgTrpLeuThrProValIleProAlaLeuTrpGluAlaGluAlaGlyGlySerArgGlyXaaXaaXaaXaaLysLysLysLysLysLysLysLysAsnGlyArgLeu.
Molecular consequence: inframe insertion. On other transcripts: non-coding transcript variant (1).
Genome position: GRCh38: chr13:32,363,437-32,363,438. GRCh37 (hg19): chr13:32,937,574-32,937,575.
Other names: c.8139_8140insGGCCGGGCGCGGTGGCTCACGCCTGTAATCCCAGCACTTTGGGAGGCCGAGGCGGGCGGATCACGAGGTCANNNNNNNNNNAAAAAAAAAAAAAAAAAAAAAAAGAATGGCAGACTG, p.Leu2713_Thr2714insGlyArgAlaArgTrpLeuThrProValIleProAlaLeuTrpGluAlaGluAlaGlyGlySerArgGlyXaaXaaXaaXaaLysLysLysLysLysLysLysLysAsnGlyArgLeu (NM_001406719.1); c.8235_8236insGGCCGGGCGCGGTGGCTCACGCCTGTAATCCCAGCACTTTGGGAGGCCGAGGCGGGCGGATCACGAGGTCANNNNNNNNNNAAAAAAAAAAAAAAAAAAAAAAAGAATGGCAGACTG, p.Leu2745_Thr2746insGlyArgAlaArgTrpLeuThrProValIleProAlaLeuTrpGluAlaGluAlaGlyGlySerArgGlyXaaXaaXaaXaaLysLysLysLysLysLysLysLysAsnGlyArgLeu (NM_001406720.1); c.3303_3304insGGCCGGGCGCGGTGGCTCACGCCTGTAATCCCAGCACTTTGGGAGGCCGAGGCGGGCGGATCACGAGGTCANNNNNNNNNNAAAAAAAAAAAAAAAAAAAAAAAGAATGGCAGACTG, p.Leu1101_Thr1102insGlyArgAlaArgTrpLeuThrProValIleProAlaLeuTrpGluAlaGluAlaGlyGlySerArgGlyXaaXaaXaaXaaLysLysLysLysLysLysLysLysAsnGlyArgLeu (NM_001406721.1); c.1818_1819insGGCCGGGCGCGGTGGCTCACGCCTGTAATCCCAGCACTTTGGGAGGCCGAGGCGGGCGGATCACGAGGTCANNNNNNNNNNAAAAAAAAAAAAAAAAAAAAAAAGAATGGCAGACTG, p.Leu606_Thr607insGlyArgAlaArgTrpLeuThrProValIleProAlaLeuTrpGluAlaGluAlaGlyGlySerArgGlyXaaXaaXaaXaaLysLysLysLysLysLysLysLysAsnGlyArgLeu (NM_001406722.1).
Identifiers: ClinVar variation 2734410 (VCV002734410.3), dbSNP rs2548546801.

ClinVar aggregate classification (germline): Pathogenic (1 of 4 stars; one submission).

Conditions:
Hereditary breast ovarian cancer syndrome. Also called: BRCA1- and BRCA2-Associated Hereditary Breast and Ovarian Cancer; Hereditary breast and/or ovarian cancer syndrome; Hereditary breast and ovarian cancer; Hereditary breast and ovarian cancer syndrome (HBOC); Breast and ovarian cancer; Hereditary breast and ovarian cancer syndrome. Identifiers: Orphanet 145, MedGen C0677776, MeSH D061325, MONDO:0003582. Disease mechanism: loss of function.

Submission:

Labcorp Genetics (formerly Invitae), Labcorp
Classification: Pathogenic for Hereditary breast ovarian cancer syndrome. Last evaluated: 2023-09-05. Review status: criteria provided, single submitter. Criteria: Invitae Variant Classification Sherloc (09022015). Collection method: clinical testing. Allele origin: germline.
Comment: This sequence change inserts a large fragment of DNA, likely a transposable element, in exon 18 of the BRCA2 gene (c.8235_8236ins? ), causing a frameshift at codon 2746 (p.Thr2746fs). The exact size and sequence of the insertion cannot be determined by the current assay. However, the insertion is expected to result in an absent or disrupted protein product. This variant is not present in population databases (gnomAD no frequency). This variant has not been reported in the literature in individuals affected with BRCA2-related conditions. Retrotransposon insertions including LINE1 (L1), Alu, and SVA (SINE-VNTR-Alu) have been reported to be disease-causing through disruption of either a coding region or splice site (PMID: 19763152, 20307669, 22406018) and loss-of-function variants in BRCA2 are known to be pathogenic (PMID: 20104584). For these reasons, this variant has been classified as Pathogenic.

Literature cited by the submitters: PubMed 19763152; PubMed 20307669; PubMed 22406018; PubMed 20104584.